The following is an entry in ClinVar:

NM_000268.4(NF2):c.362A>G (p.Gln121Arg)

Gene: NF2 (NF2, moesin-ezrin-radixin like (MERLIN) tumor suppressor; plus strand). Cytogenetic location: 22q12.2.
Variant type: single nucleotide variant.
Coding change: c.362A>G on transcript NM_000268.4 (MANE Select); coding-DNA position 362, A replaced by G.
Protein change: p.Gln121Arg; replaces glutamine 121 with arginine.
Molecular consequence: missense variant. On other transcripts: non-coding transcript variant (1), intron variant (3).
Genome position (GRCh38, 1-based): chr22:29,639,211, A>G. VCF-style: chr22-29639211-A-G. GRCh37 (hg19) VCF-style: chr22-30035200-A-G.
Other names: c.362A>G, p.Gln121Arg (NM_016418.5, NM_181825.3, NM_181832.3 and 1 more transcripts); c.236A>G, p.Gln79Arg (NM_181828.3); c.240+2335A>G (NM_181829.3); c.115-2991A>G (NM_181830.3, NM_181831.3); c.362A>G (NM_000268.3); short protein forms Q121R, Q79R.
Identifiers: ClinVar variation 1368370 (VCV001368370.10), dbSNP rs2146873198, ClinGen allele CA411153399.

ClinVar aggregate classification (germline): Uncertain significance. Review status: criteria provided, multiple submitters, no conflicts (2 of 4 stars). 2 submissions from 2 submitters: Uncertain significance (2). Last evaluated 2023-06-01.

Conditions:
Hereditary cancer-predisposing syndrome. Also called: Tumor predisposition; Neoplastic Syndromes, Hereditary; Hereditary Cancer Syndrome; Hereditary neoplastic syndrome. Identifiers: Orphanet 140162, MedGen C0027672, MeSH D009386, MONDO:0015356.
Neurofibromatosis, type 2 (SWNV). Also called: BILATERAL ACOUSTIC NEUROFIBROMATOSIS; NF2-Related Schwannomatosis; SCHWANNOMATOSIS, VESTIBULAR. Identifiers: Orphanet 637, MedGen C0027832, MONDO:0007039, OMIM 101000. Disease mechanism: loss of function.

Submissions (2):

Ambry Genetics
Classification: Uncertain significance for Hereditary cancer-predisposing syndrome. Last evaluated: 2023-06-01. Review status: criteria provided, single submitter. Criteria: Ambry Variant Classification Scheme 2023. Collection method: clinical testing. Allele origin: germline.
Comment: The p.Q121R variant (also known as c.362A>G), located in coding exon 3 of the NF2 gene, results from an A to G substitution at nucleotide position 362. The glutamine at codon 121 is replaced by arginine, an amino acid with highly similar properties. This amino acid position is conserved. In addition, this alteration is predicted to be deleterious by in silico analysis. Since supporting evidence is limited at this time, the clinical significance of this alteration remains unclear.

Labcorp Genetics (formerly Invitae), Labcorp
Classification: Uncertain significance for Neurofibromatosis, type 2. Last evaluated: 2021-01-31. Review status: criteria provided, single submitter. Criteria: Invitae Variant Classification Sherloc (09022015). Collection method: clinical testing. Allele origin: germline.
Comment: In summary, the available evidence is currently insufficient to determine the role of this variant in disease. Therefore, it has been classified as a Variant of Uncertain Significance. Algorithms developed to predict the effect of sequence changes on RNA splicing suggest that this variant may disrupt the consensus splice site, but this prediction has not been confirmed by published transcriptional studies. Algorithms developed to predict the effect of missense changes on protein structure and function (SIFT, PolyPhen-2, Align-GVGD) all suggest that this variant is likely to be disruptive, but these predictions have not been confirmed by published functional studies and their clinical significance is uncertain. This variant has not been reported in the literature in individuals with NF2-related conditions. This variant is not present in population databases (ExAC no frequency). This sequence change replaces glutamine with arginine at codon 121 of the NF2 protein (p.Gln121Arg). The glutamine residue is highly conserved and there is a small physicochemical difference between glutamine and arginine.